The following is an entry in ClinVar:

NM_001797.4(CDH11):c.*239dup

Gene: CDH11 (cadherin 11; minus strand). Cytogenetic location: 16q21.
Variant type: Duplication.
Coding change: c.*239dup on transcript NM_001797.4 (MANE Select); 239 bases downstream of the stop codon, one base duplicated (A; older notation c.*239dupA).
Molecular consequence: 3 prime UTR variant.
Genome position (GRCh38, 1-based): chr16:64,947,364, T duplicated on the plus strand (A on the coding strand, the reverse complement: CDH11 is on the minus strand); the first of 10 consecutive T bases (chr16:64,947,364-64,947,373); duplicating any one gives the same sequence. VCF-style (leftmost placement, unchanged base first): chr16-64947363-G-GT. GRCh37 (hg19) VCF-style: chr16-64981266-G-GT.
Other names: c.*727dup (NM_001308392.2); c.*239dup (NM_001330576.2).
Identifiers: ClinVar variation 2575896 (VCV002575896.2), dbSNP rs34181449, ClinGen allele CA282864834.

ClinVar aggregate classification (germline): Uncertain significance (1 of 4 stars; one submission).

Conditions:
Orofacial cleft 1 (OFC1). Also called: Nonsyndromic Cleft Lip/Palate; CLEFT LIP WITH OR WITHOUT CLEFT PALATE, NONSYNDROMIC, 1; OROFACIAL CLEFT, NONSYNDROMIC. Identifiers: MedGen C1861537, MeSH C566121, MONDO:0007335, OMIM 119530.

Submission:

Grupo de Genetica Humana, Facultad de Medicina - Universidad de La Sabana
Classification: Uncertain significance for Orofacial cleft 1. Last evaluated: 2022-11-22. Review status: criteria provided, single submitter. Criteria: ACMG Guidelines, 2015. Collection method: research. Allele origin: germline. Affected: yes and no. Observed: 4 variant alleles.
Comment: VUS in a strongly conserved region in the CDH11 gene, which encodes a member of a superfamily of cadherins. A dysregulation of these type of cadherins is thought to be involved in Elsahy-Waters Syndrome, which sometimes presents with craniofacial clefts, including cleft palate, as well as in Teebi hypertelorism syndrome.

Literature cited by the submitters: DOI:10.1007/S00439-021-02274-3.